The following is an entry in ClinVar:

ClinVar aggregate classification (germline): Uncertain significance (1 of 4 stars; one submission).

Conditions:
Hereditary cancer-predisposing syndrome. Also called: Hereditary Cancer Syndrome; Hereditary neoplastic syndrome; Neoplastic Syndromes, Hereditary; Tumor predisposition. Identifiers: Orphanet 140162, MedGen C0027672, MeSH D009386, MONDO:0015356.

Submission:

Ambry Genetics
Classification: Uncertain significance for Hereditary cancer-predisposing syndrome. Last evaluated: 2025-08-04. Review status: criteria provided, single submitter. Criteria: Ambry Variant Classification Scheme 2023. Collection method: clinical testing. Allele origin: germline.
Comment: The p.K206Q variant (also known as c.616A>C), located in coding exon 3 of the FLCN gene, results from an A to C substitution at nucleotide position 616. The lysine at codon 206 is replaced by glutamine, an amino acid with similar properties. This amino acid position is conserved. In addition, the in silico prediction for this alteration is inconclusive. Based on the available evidence, the clinical significance of this variant remains unclear.

NM_144997.7(FLCN):c.616A>C (p.Lys206Gln)

Gene: FLCN (folliculin; minus strand). Cytogenetic location: 17p11.2.
Variant type: single nucleotide variant.
Coding change: c.616A>C on transcript NM_144997.7 (MANE Select); coding-DNA position 616, A replaced by C.
Protein change: p.Lys206Gln; replaces lysine 206 with glutamine.
Molecular consequence: missense variant.
Genome position (GRCh38, 1-based): chr17:17,223,924, T>G on the plus strand (A>C on the coding strand, the complement: FLCN is on the minus strand). VCF-style: chr17-17223924-T-G. GRCh37 (hg19) VCF-style: chr17-17127238-T-G.
Other names: c.670A>C, p.Lys224Gln (NM_001353229.2); c.616A>C, p.Lys206Gln (NM_001353230.2, NM_001353231.2, NM_144606.7); short protein forms K206Q, K224Q.
Identifiers: ClinVar variation 4257935 (VCV004257935.1).
Genomic context (GRCh38, chr17:17,223,924, plus strand): 5'-GAGCGGCTCATGCAGTGCAGGGCCCCCTGCCGCCCCGGCACCTCATCTCTGAATTCACCT[T>G]GAGCGCCTTGCCCTGGAGCTCATCGATGATTCCCCGGACCTTCCCCAGCAGGAAGGGCCA-3'
Protein context (NP_659434.2, residues 196-216): IIDELQGKAL[Lys206Gln]VFEAEQFGCP